The following is an entry in ClinVar:

NM_153026.3(PRICKLE1):c.124C>T (p.Pro42Ser)

Gene: PRICKLE1 (prickle planar cell polarity protein 1; minus strand). Cytogenetic location: 12q12.
Variant type: single nucleotide variant.
Coding change: c.124C>T on transcript NM_153026.3 (MANE Select); coding-DNA position 124, C replaced by T.
Protein change: p.Pro42Ser; replaces proline 42 with serine.
Molecular consequence: missense variant.
Genome position (GRCh38, 1-based): chr12:42,472,393, G>A on the plus strand (C>T on the coding strand, the complement: PRICKLE1 is on the minus strand). VCF-style: chr12-42472393-G-A. GRCh37 (hg19) VCF-style: chr12-42866195-G-A.
Other names: c.124C>T, p.Pro42Ser (NM_001144881.2, NM_001144882.2, NM_001144883.2); short protein forms P42S.
Identifiers: ClinVar variation 1348632 (VCV001348632.8), dbSNP rs758787019, ClinGen allele CA6519995.

ClinVar aggregate classification (germline): Uncertain significance (1 of 4 stars; one submission).

Conditions:
Epilepsy, progressive myoclonic, 1B. Also called: PME. Identifiers: Orphanet 308, MedGen C2676254, MONDO:0012904, OMIM 612437.

Allele frequency attached by ClinVar (database versions not stated): gnomAD exomes below 0.00001 and 0.00001; ExAC 0.00001.
gnomAD v4.1: 1 of 1,614,090 alleles (0.000062%); highest among the groups gnomAD compares: South Asian, 0.0011%; no homozygotes.

Submission:

Labcorp Genetics (formerly Invitae), Labcorp
Classification: Uncertain significance for Epilepsy, progressive myoclonic, 1B. Last evaluated: 2021-03-08. Review status: criteria provided, single submitter. Criteria: Invitae Variant Classification Sherloc (09022015). Collection method: clinical testing. Allele origin: germline.
Comment: This sequence change replaces proline with serine at codon 42 of the PRICKLE1 protein (p.Pro42Ser). The proline residue is highly conserved and there is a moderate physicochemical difference between proline and serine. This variant is present in population databases (rs758787019, ExAC 0.006%). This variant has not been reported in the literature in individuals with PRICKLE1-related conditions. Algorithms developed to predict the effect of missense changes on protein structure and function are either unavailable or do not agree on the potential impact of this missense change (SIFT: "Deleterious"; PolyPhen-2: "Probably Damaging"; Align-GVGD: "Class C0"). In summary, the available evidence is currently insufficient to determine the role of this variant in disease. Therefore, it has been classified as a Variant of Uncertain Significance.